The following is an entry in ClinVar:

NM_001378328.1(CELSR1):c.8232C>T (p.Phe2744=)

Gene: CELSR1 (cadherin EGF LAG seven-pass G-type receptor 1; minus strand). Cytogenetic location: 22q13.31.
Variant type: single nucleotide variant.
Coding change: c.8232C>T on transcript NM_001378328.1 (MANE Select); coding-DNA position 8232, C replaced by T.
Protein change: p.Phe2744=; no amino-acid change (phenylalanine 2744 retained).
Molecular consequence: synonymous variant.
Genome position (GRCh38, 1-based): chr22:46,366,454, G>A on the plus strand (C>T on the coding strand, the complement: CELSR1 is on the minus strand). VCF-style: chr22-46366454-G-A. GRCh37 (hg19) VCF-style: chr22-46762351-G-A.
Other names: c.8232C>T, p.Phe2744= (NM_014246.4).
Identifiers: ClinVar variation 3352777 (VCV003352777.1).

ClinVar aggregate classification (germline): Likely benign (0 of 4 stars; one submission).

Conditions:
CELSR1-related disorder. Also called: CELSR1-related condition.

gnomAD v4.1: 34 of 1,550,290 alleles (0.0022%); highest among the groups gnomAD compares: African/African-American, 0.0096%; no homozygotes.

Submission:

PreventionGenetics, part of Exact Sciences
Classification: Likely benign for CELSR1-related condition. Last evaluated: 2019-04-02. Review status: no assertion criteria provided. Collection method: clinical testing. Allele origin: germline.
Comment: This variant is classified as likely benign based on ACMG/AMP sequence variant interpretation guidelines (Richards et al. 2015 PMID: 25741868, with internal and published modifications).